The following is an entry in ClinVar:

NM_002539.3(ODC1):c.802G>A (p.Gly268Arg)

Gene: ODC1 (ornithine decarboxylase 1; minus strand). Cytogenetic location: 2p25.1.
Variant type: single nucleotide variant.
Coding change: c.802G>A on transcript NM_002539.3 (MANE Select); coding-DNA position 802, G replaced by A.
Protein change: p.Gly268Arg; replaces glycine 268 with arginine.
Molecular consequence: missense variant.
Genome position (GRCh38, 1-based): chr2:10,442,123, C>T on the plus strand (G>A on the coding strand, the complement: ODC1 is on the minus strand). VCF-style: chr2-10442123-C-T. GRCh37 (hg19) VCF-style: chr2-10582249-C-T.
Other names: c.415G>A, p.Gly139Arg (NM_001287188.2); c.802G>A, p.Gly268Arg (NM_001287189.2, NM_001287190.2); short protein forms G139R, G268R.
Identifiers: ClinVar variation 5038666 (VCV005038666.1).

ClinVar aggregate classification (germline): Likely benign (1 of 4 stars; one submission).

gnomAD v4.1: 1,082 of 1,614,020 alleles (0.067%); highest among the groups gnomAD compares: African/African-American, 1.3%; 6 homozygotes.

Submission:

CeGaT Center for Human Genetics Tuebingen
Classification: Likely benign. Last evaluated: 2026-08-01. Review status: criteria provided, single submitter. Criteria: CeGaT Center For Human Genetics Tuebingen Variant Classification Criteria Version 2. Collection method: clinical testing. Allele origin: germline. Affected: yes. Observed: 1 variant allele.
Comment: ODC1: BS1